The following is an entry in ClinVar:

NM_012062.5(DNM1L):c.25_28delinsCACT (p.Asn9_Lys10delinsHisTer)

Gene: DNM1L (dynamin 1 like; plus strand). Cytogenetic location: 12p11.21.
Variant type: Indel.
Coding change: c.25_28delinsCACT on transcript NM_012062.5 (MANE Select); coding-DNA positions 25 to 28, AACA replaced by CACT.
Protein change: p.Asn9_Lys10delinsHisTer.
Molecular consequence: nonsense. On other transcripts: 5 prime UTR variant (1).
Genome position (GRCh38, 1-based): chr12:32,679,388-32,679,391, AACA replaced by CACT. VCF-style: chr12-32679388-AACA-CACT. GRCh37 (hg19) VCF-style: chr12-32832322-AACA-CACT.
Other names: c.25_28delinsCACT, p.Asn9_Lys10delinsHisTer (NM_001278463.2, NM_001278464.2, NM_001278465.2 and 3 more transcripts); c.-181_-178delinsCACT (NM_001278466.2); c.25_28delAACAinsCACT (NM_012062.3).
Identifiers: ClinVar variation 449012 (VCV000449012.13), dbSNP rs1555229978, ClinGen allele CA658658127.

ClinVar aggregate classification (germline): Conflicting classifications of pathogenicity. Review status: criteria provided, conflicting classifications (1 of 4 stars). 3 submissions from 3 submitters: Pathogenic (1); Likely pathogenic (1); Uncertain significance (1). Last evaluated 2025-08-04.

Conditions:
Encephalopathy, lethal, due to defective mitochondrial peroxisomal fission 1. Identifiers: Orphanet 330050, MedGen C3280660, MONDO:0013726, OMIM 614388.

Submissions (3):

GeneDx
Classification: Likely pathogenic. Last evaluated: 2025-08-04. Review status: criteria provided, single submitter. Criteria: GeneDx Variant Classification Process June 2021. Collection method: clinical testing. Allele origin: germline. Affected: yes.
Comment: Nonsense variant predicted to result in protein truncation or nonsense mediated decay in a gene for which loss of function is a known mechanism of disease; Not observed at significant frequency in large population cohorts (gnomAD); Has not been previously published as pathogenic or benign to our knowledge; This variant is associated with the following publications: (PMID: 31506345)

Revvity Omics, Revvity
Classification: Uncertain significance. Last evaluated: 2024-07-19. Review status: criteria provided, single submitter. Criteria: ACMG Guidelines, 2015. Collection method: clinical testing. Allele origin: germline.

Women's Health and Genetics/Laboratory Corporation of America, LabCorp
Classification: Pathogenic for Encephalopathy, lethal, due to defective mitochondrial peroxisomal fission 1. Last evaluated: 2023-09-26. Review status: criteria provided, single submitter. Criteria: LabCorp Variant Classification Summary - May 2015. Collection method: clinical testing. Allele origin: germline.
Comment: Variant summary: DNM1L c.25_28delinsCACT (p.Asn9HisfsX2) results in a premature termination codon, predicted to cause a truncation of the encoded protein or absence of the protein due to nonsense mediated decay, which are commonly known mechanisms for disease. The variant allele was found at a frequency of 2.5e-05 in 282020 control chromosomes (i.e., 7 heterozygotes; frequency represents the co-occurrence of constituent SNVs c.25A>C and c.28A>T; gnomAD v2.1.1). To our knowledge, no occurrence of c.25_28delinsCACT in individuals affected with Encephalopathy, Lethal, Due To Defective Mitochondrial Peroxisomal Fission 1, Autosomal Recessive and no experimental evidence demonstrating its impact on protein function have been reported. No occurrence of the constituent SNV c.25A>C (p.Asn9His) has been reported in isolation to our knowledge, although the second constituent SNV c.28A>T (p.Lys10X) has been reported in a heterozygous individual with extreme obesity and neuropsychiatric disease (e.g., Stahel_2019). The following publication was ascertained in the context of this evaluation (PMID: 31506345). Two submitters have reported clinical-significance assessments for this variant to ClinVar after 2014. One submitter classified the variant as likely pathogenic, and one submitter classified the variant as uncertain significance. Based on the evidence outlined above, the variant was classified as pathogenic.

Literature cited by the submitters: PubMed 31506345 (cited by Women's Health and Genetics/Laboratory Corporation of America, LabCorp).